The following is an entry in ClinVar:

NM_001367721.1(CASK):c.571G>T (p.Val191Phe)

Gene: CASK (calcium/calmodulin dependent serine protein kinase; minus strand). Cytogenetic location: Xp11.4.
Variant type: single nucleotide variant.
Coding change: c.571G>T on transcript NM_001367721.1 (MANE Select); coding-DNA position 571, G replaced by T.
Protein change: p.Val191Phe; replaces valine 191 with phenylalanine.
Molecular consequence: missense variant.
Genome position (GRCh38, 1-based): chrX:41,665,414, C>A on the plus strand (G>T on the coding strand, the complement: CASK is on the minus strand). VCF-style: chrX-41665414-C-A. GRCh37 (hg19) VCF-style: chrX-41524667-C-A.
Other names: c.571G>T, p.Val191Phe (NM_001126054.3, NM_001126055.3, NM_001410745.1 and 1 more transcripts); short protein forms V191F.
Identifiers: ClinVar variation 4975386 (VCV004975386.1).

ClinVar aggregate classification (germline): Uncertain significance (1 of 4 stars; one submission).

Submission:

GeneDx
Classification: Uncertain significance. Last evaluated: 2026-01-22. Review status: criteria provided, single submitter. Criteria: GeneDx Variant Classification Process June 2021. Collection method: clinical testing. Allele origin: germline.
Comment: Not observed at significant frequency in large population cohorts (gnomAD); In silico analysis supports that this missense variant has a deleterious effect on protein structure/function; Has not been previously published as pathogenic or benign to our knowledge